The following is an entry in ClinVar:

NM_004304.5(ALK):c.770C>G (p.Ser257Cys)

Gene: ALK (ALK receptor tyrosine kinase; minus strand). Cytogenetic location: 2p23.2.
Variant type: single nucleotide variant.
Coding change: c.770C>G on transcript NM_004304.5 (MANE Select); coding-DNA position 770, C replaced by G.
Protein change: p.Ser257Cys; replaces serine 257 with cysteine.
Molecular consequence: missense variant.
Genome position (GRCh38, 1-based): chr2:29,717,595, G>C on the plus strand (C>G on the coding strand, the complement: ALK is on the minus strand). VCF-style: chr2-29717595-G-C. GRCh37 (hg19) VCF-style: chr2-29940461-G-C.
Other names: short protein forms S257C.
Identifiers: ClinVar variation 1760252 (VCV001760252.8), dbSNP rs1679299604, ClinGen allele CA346587637.

ClinVar aggregate classification (germline): Uncertain significance. Review status: criteria provided, multiple submitters, no conflicts (2 of 4 stars). 2 submissions from 2 submitters: Uncertain significance (2). Last evaluated 2025-02-19.

Conditions:
Neuroblastoma, susceptibility to, 3. Also called: ALK-Related Neuroblastic Tumor Susceptibility. Identifiers: Orphanet 635, MedGen C2751681, MONDO:0013083, OMIM 613014.
Hereditary cancer-predisposing syndrome. Also called: Neoplastic Syndromes, Hereditary; Tumor predisposition; Hereditary neoplastic syndrome; Hereditary Cancer Syndrome. Identifiers: Orphanet 140162, MedGen C0027672, MeSH D009386, MONDO:0015356.

Submissions (2):

Labcorp Genetics (formerly Invitae), Labcorp
Classification: Uncertain significance for Neuroblastoma, susceptibility to, 3. Last evaluated: 2025-02-19. Review status: criteria provided, single submitter. Criteria: Invitae Variant Classification Sherloc (09022015). Collection method: clinical testing. Allele origin: germline.
Comment: This sequence change replaces serine, which is neutral and polar, with cysteine, which is neutral and slightly polar, at codon 257 of the ALK protein (p.Ser257Cys). This variant is not present in population databases (gnomAD no frequency). This variant has not been reported in the literature in individuals affected with ALK-related conditions. ClinVar contains an entry for this variant (Variation ID: 1760252). An algorithm developed to predict the effect of missense changes on protein structure and function (PolyPhen-2) suggests that this variant is likely to be tolerated. In summary, the available evidence is currently insufficient to determine the role of this variant in disease. Therefore, it has been classified as a Variant of Uncertain Significance.

Ambry Genetics
Classification: Uncertain significance for Hereditary cancer-predisposing syndrome. Last evaluated: 2024-08-28. Review status: criteria provided, single submitter. Criteria: Ambry Variant Classification Scheme 2023. Collection method: clinical testing. Allele origin: germline.
Comment: The p.S257C variant (also known as c.770C>G), located in coding exon 2 of the ALK gene, results from a C to G substitution at nucleotide position 770. The serine at codon 257 is replaced by cysteine, an amino acid with dissimilar properties. This amino acid position is conserved. In addition, the in silico prediction for this alteration is inconclusive. Since supporting evidence is limited at this time, the clinical significance of this alteration remains unclear.